The following is an entry in ClinVar:

NM_001166108.2(PALLD):c.214C>A (p.Pro72Thr)

Gene: PALLD (palladin, cytoskeletal associated protein; plus strand). Cytogenetic location: 4q32.3.
Variant type: single nucleotide variant.
Coding change: c.214C>A on transcript NM_001166108.2 (MANE Select); coding-DNA position 214, C replaced by A.
Protein change: p.Pro72Thr; replaces proline 72 with threonine.
Molecular consequence: missense variant.
Genome position (GRCh38, 1-based): chr4:168,511,718, C>A. VCF-style: chr4-168511718-C-A. GRCh37 (hg19) VCF-style: chr4-169432869-C-A.
Other names: c.214C>A, p.Pro72Thr (NM_016081.4); short protein forms P72T.
Identifiers: ClinVar variation 1786708 (VCV001786708.2), dbSNP rs2531429295, ClinGen allele CA358725043.

ClinVar aggregate classification (germline): Uncertain significance (1 of 4 stars; one submission).

gnomAD v4.1: 2 of 1,614,178 alleles (0.00012%); highest among the groups gnomAD compares: Non-Finnish European, 0.00017%; no homozygotes.

Submission:

Ambry Genetics
Classification: Uncertain significance. Last evaluated: 2022-03-16. Review status: criteria provided, single submitter. Criteria: Ambry Variant Classification Scheme 2023. Collection method: clinical testing. Allele origin: germline.
Comment: The p.P72T variant (also known as c.214C>A), located in coding exon 1 of the PALLD gene, results from a C to A substitution at nucleotide position 214. The proline at codon 72 is replaced by threonine, an amino acid with highly similar properties. This amino acid position is conserved. In addition, this alteration is predicted to be tolerated by in silico analysis. Since supporting evidence is limited at this time, the clinical significance of this alteration remains unclear.